The following is an entry in ClinVar:

NM_005138.3(SCO2):c.233T>A (p.Leu78Gln)

Genes: NCAPH2 (non-SMC condensin II complex subunit H2; plus strand), SCO2 (synthesis of cytochrome C oxidase 2; minus strand). Cytogenetic location: 22q13.33.
Variant type: single nucleotide variant.
Coding change: c.233T>A on transcript NM_005138.3 (MANE Select); coding-DNA position 233, T replaced by A.
Protein change: p.Leu78Gln; replaces leucine 78 with glutamine.
Molecular consequence: missense variant. On other transcripts: 3 prime UTR variant (2).
Genome position (GRCh38, 1-based): chr22:50,524,179, A>T on the plus strand (T>A on the coding strand, the complement: SCO2 is on the minus strand). VCF-style: chr22-50524179-A-T. GRCh37 (hg19) VCF-style: chr22-50962608-A-T.
Other names: c.*804A>T (NM_001185011.2, NM_152299.4); c.233T>A, p.Leu78Gln (NM_001169109.2, NM_001169110.1, NM_001169111.2); short protein forms L78Q.
Identifiers: ClinVar variation 1525924 (VCV001525924.5), dbSNP rs911274422, ClinGen allele CA325555955.
Genomic context (GRCh38, chr22:50,524,179, plus strand): 5'-GCTGCCTGGCGCAGGGCTTCTGTTCGCTTTTGCTGCTGCAGCCTCTCCTTCTCAGCCCTC[A>T]GGGCCAGCCAGGCCCCACCGAGTCCAGCCCCGAACAGGCCTGTGATCAGCAGCCGGGTTC-3'
Protein context (NP_005129.2, residues 68-88): GAGLGGAWLA[Leu78Gln]RAEKERLQQQ

ClinVar aggregate classification (germline): Uncertain significance (1 of 4 stars; one submission).

Allele frequency attached by ClinVar (database versions not stated): gnomAD 0.00001; TOPMed 0.00001.
gnomAD v4.1: 1 of 1,609,156 alleles (0.000062%); highest among the groups gnomAD compares: Admixed American, 0.0017%; no homozygotes.

Submission:

Labcorp Genetics (formerly Invitae), Labcorp
Classification: Uncertain significance. Last evaluated: 2022-08-15. Review status: criteria provided, single submitter. Criteria: Invitae Variant Classification Sherloc (09022015). Collection method: clinical testing. Allele origin: germline.
Comment: This sequence change replaces leucine, which is neutral and non-polar, with glutamine, which is neutral and polar, at codon 78 of the SCO2 protein (p.Leu78Gln). This variant is not present in population databases (gnomAD no frequency). This variant has not been reported in the literature in individuals affected with SCO2-related conditions. ClinVar contains an entry for this variant (Variation ID: 1525924). Algorithms developed to predict the effect of missense changes on protein structure and function are either unavailable or do not agree on the potential impact of this missense change (SIFT: "Tolerated"; PolyPhen-2: "Possibly Damaging"; Align-GVGD: "Class C0"). Algorithms developed to predict the effect of sequence changes on RNA splicing suggest that this variant may create or strengthen a splice site. In summary, the available evidence is currently insufficient to determine the role of this variant in disease. Therefore, it has been classified as a Variant of Uncertain Significance.